The following is an entry in ClinVar:

NM_000637.5(GSR):c.648C>G (p.Ser216Arg)

Gene: GSR (glutathione-disulfide reductase; minus strand). Cytogenetic location: 8p12.
Variant type: single nucleotide variant.
Coding change: c.648C>G on transcript NM_000637.5 (MANE Select); coding-DNA position 648, C replaced by G.
Protein change: p.Ser216Arg; replaces serine 216 with arginine.
Molecular consequence: missense variant.
Genome position (GRCh38, 1-based): chr8:30,700,128, G>C on the plus strand (C>G on the coding strand, the complement: GSR is on the minus strand). VCF-style: chr8-30700128-G-C. GRCh37 (hg19) VCF-style: chr8-30557645-G-C.
Other names: c.648C>G, p.Ser216Arg (NM_001195102.3, NM_001195103.3, NM_001195104.3); short protein forms S216R.
Identifiers: ClinVar variation 1411654 (VCV001411654.6), dbSNP rs2128743403, ClinGen allele CA370889387.

ClinVar aggregate classification (germline): Uncertain significance (1 of 4 stars; one submission).

Submission:

Labcorp Genetics (formerly Invitae), Labcorp
Classification: Uncertain significance. Last evaluated: 2021-11-03. Review status: criteria provided, single submitter. Criteria: Invitae Variant Classification Sherloc (09022015). Collection method: clinical testing. Allele origin: germline.
Comment: In summary, the available evidence is currently insufficient to determine the role of this variant in disease. Therefore, it has been classified as a Variant of Uncertain Significance. Algorithms developed to predict the effect of sequence changes on RNA splicing suggest that this variant may create or strengthen a splice site. Algorithms developed to predict the effect of missense changes on protein structure and function output the following: SIFT: "Tolerated"; PolyPhen-2: "Benign"; Align-GVGD: "Class C0". The arginine amino acid residue is found in multiple mammalian species, which suggests that this missense change does not adversely affect protein function. This variant has not been reported in the literature in individuals affected with GSR-related conditions. This variant is not present in population databases (gnomAD no frequency). This sequence change replaces serine, which is neutral and polar, with arginine, which is basic and polar, at codon 216 of the GSR protein (p.Ser216Arg).